The following is an entry in ClinVar:

ClinVar aggregate classification (germline): Uncertain significance (1 of 4 stars; one submission).

Conditions:
Hereditary breast ovarian cancer syndrome. Also called: Hereditary breast and ovarian cancer syndrome (HBOC); Hereditary breast and/or ovarian cancer syndrome; Hereditary breast and ovarian cancer; Hereditary breast and ovarian cancer syndrome; Breast and ovarian cancer; BRCA1- and BRCA2-Associated Hereditary Breast and Ovarian Cancer. Identifiers: Orphanet 145, MedGen C0677776, MeSH D061325, MONDO:0003582. Disease mechanism: loss of function.

Submission:

Labcorp Genetics (formerly Invitae), Labcorp
Classification: Uncertain significance for Hereditary breast ovarian cancer syndrome. Last evaluated: 2023-03-07. Review status: criteria provided, single submitter. Criteria: Invitae Variant Classification Sherloc (09022015). Collection method: clinical testing. Allele origin: germline.
Comment: This sequence change replaces lysine, which is basic and polar, with asparagine, which is neutral and polar, at codon 1406 of the BRCA1 protein (p.Lys1406Asn). This variant is not present in population databases (gnomAD no frequency). This missense change has been observed in individual(s) with ovarian cancer (PMID: 10196379). Advanced modeling of protein sequence and biophysical properties (such as structural, functional, and spatial information, amino acid conservation, physicochemical variation, residue mobility, and thermodynamic stability) performed at Invitae indicates that this missense variant is not expected to disrupt BRCA1 protein function. In summary, the available evidence is currently insufficient to determine the role of this variant in disease. Therefore, it has been classified as a Variant of Uncertain Significance.

Literature cited by the submitters: PubMed 10196379.

NM_007294.4(BRCA1):c.4218G>C (p.Lys1406Asn)

Gene: BRCA1 (BRCA1 DNA repair associated; minus strand). Cytogenetic location: 17q21.31.
Variant type: single nucleotide variant.
Coding change: c.4218G>C on transcript NM_007294.4 (MANE Select); coding-DNA position 4218, G replaced by C.
Protein change: p.Lys1406Asn; replaces lysine 1406 with asparagine.
Molecular consequence: missense variant.
Genome position (GRCh38, 1-based): chr17:43,082,543, C>G on the plus strand (G>C on the coding strand, the complement: BRCA1 is on the minus strand). VCF-style: chr17-43082543-C-G. GRCh37 (hg19) VCF-style: chr17-41234560-C-G.
Other names: c.4074G>C, p.Lys1358Asn (NM_001407844.1, NM_001407845.1, NM_001407846.1 and 23 more transcripts); c.4071G>C, p.Lys1357Asn (NM_001407847.1, NM_001407848.1, NM_001407849.1); c.4014G>C, p.Lys1338Asn (NM_001407874.1, NM_001407875.1); c.4008G>C, p.Lys1336Asn (NM_001407879.1, NM_001407881.1, NM_001407882.1 and 9 more transcripts); c.4005G>C, p.Lys1335Asn (NM_001407853.1, NM_001407571.1, NM_001407894.1 and 12 more transcripts); c.4218G>C, p.Lys1406Asn (NM_001407854.1, NM_001407858.1, NM_001407859.1 and 23 more transcripts); c.4215G>C, p.Lys1405Asn (NM_001407860.1, NM_001407861.1, NM_001407587.1 and 21 more transcripts); c.4017G>C, p.Lys1339Asn (NM_001407862.1); and 51 more; short protein forms K1237N, K1278N, K1317N, K1358N, K135N, K1363N, K1365N, K1404N.
Identifiers: ClinVar variation 2731680 (VCV002731680.3), dbSNP rs1800707, ClinGen allele CA10593285.
Genomic context (GRCh38, chr17:43,082,543, plus strand): 5'-AGAAGGCTGGCTCCCATGCTGTTCTAACACAGCTTCTAGTTCAGCCATTTCCTGCTGGAG[C>G]TTTATCAGGTTATGTTGCATGGTATCCCTCTGCTTCAAAAACGATAAATGGCACCAAGAA-3'
Protein context (NP_009225.1, residues 1396-1416): QRDTMQHNLI[Lys1406Asn]LQQEMAELEA